The following is an entry in ClinVar:

ClinVar aggregate classification (germline): Uncertain significance (1 of 4 stars; one submission).

Conditions:
Aortic valve disease 2 (AOVD2). Identifiers: MedGen C3542024, MONDO:0013902, OMIM 614823.

Submission:

Labcorp Genetics (formerly Invitae), Labcorp
Classification: Uncertain significance for Aortic valve disease 2. Last evaluated: 2024-02-17. Review status: criteria provided, single submitter. Criteria: Invitae Variant Classification Sherloc (09022015). Collection method: clinical testing. Allele origin: germline.
Comment: This sequence change replaces valine, which is neutral and non-polar, with alanine, which is neutral and non-polar, at codon 334 of the SMAD6 protein (p.Val334Ala). This variant is not present in population databases (gnomAD no frequency). This variant has not been reported in the literature in individuals affected with SMAD6-related conditions. Advanced modeling of protein sequence and biophysical properties (such as structural, functional, and spatial information, amino acid conservation, physicochemical variation, residue mobility, and thermodynamic stability) performed at Invitae indicates that this missense variant is not expected to disrupt SMAD6 protein function with a negative predictive value of 80%. In summary, the available evidence is currently insufficient to determine the role of this variant in disease. Therefore, it has been classified as a Variant of Uncertain Significance.

NM_005585.5(SMAD6):c.1001T>C (p.Val334Ala)

Gene: SMAD6 (SMAD family member 6; plus strand). Cytogenetic location: 15q22.31.
Variant type: single nucleotide variant.
Coding change: c.1001T>C on transcript NM_005585.5 (MANE Select); coding-DNA position 1001, T replaced by C.
Protein change: p.Val334Ala; replaces valine 334 with alanine.
Molecular consequence: missense variant. On other transcripts: non-coding transcript variant (1).
Genome position (GRCh38, 1-based): chr15:66,781,045, T>C. VCF-style: chr15-66781045-T-C. GRCh37 (hg19) VCF-style: chr15-67073383-T-C.
Other names: short protein forms V334A.
Identifiers: ClinVar variation 3641654 (VCV003641654.2).